The following is an entry in ClinVar:

ClinVar aggregate classification (germline): Uncertain significance. Review status: criteria provided, multiple submitters, no conflicts (2 of 4 stars). 2 submissions from 2 submitters: Uncertain significance (2). Last evaluated 2026-03-09.

Conditions:
Wilms tumor 1 (WT1). Also called: Wilms tumor, somatic. Identifiers: Orphanet 654, MedGen CN033288, MONDO:0008679, OMIM 194070.
11p partial monosomy syndrome (WAGR). Also called: CHROMOSOME 11p13 DELETION SYNDROME; WAGR Spectrum Disorder; WAGR syndrome; WAGR Complex. Identifiers: Orphanet 893, MedGen C0206115, MONDO:0008681, OMIM 194072.
Drash syndrome (DDS). Also called: NEPHROPATHY, WILMS TUMOR, AND GENITAL ANOMALIES; WILMS TUMOR AND PSEUDO- OR TRUE HERMAPHRODITISM. Identifiers: Orphanet 220, MedGen C0950121, MONDO:0008682, OMIM 194080.
Frasier syndrome. Identifiers: Orphanet 347, MedGen C0950122, MeSH D052159, MONDO:0007635, OMIM 136680.
Inborn genetic diseases. Identifiers: MedGen C0950123, MeSH D030342.

Submissions (2):

Ambry Genetics
Classification: Uncertain significance for Inborn genetic diseases. Last evaluated: 2026-03-09. Review status: criteria provided, single submitter. Criteria: Ambry Variant Classification Scheme 2023. Collection method: clinical testing. Allele origin: germline.
Comment: The c.950+3A>G intronic variant results from an A to G substitution 3 nucleotides after coding exon 4 in the WT1 gene. This nucleotide position is well conserved in available vertebrate species. In silico splice site analysis predicts that this alteration may weaken the native splice donor site. Based on the available evidence, the clinical significance of this variant remains unclear.

Labcorp Genetics (formerly Invitae), Labcorp
Classification: Uncertain significance for Wilms tumor 1; Drash syndrome; 11p partial monosomy syndrome; Frasier syndrome. Last evaluated: 2024-09-04. Review status: criteria provided, single submitter. Criteria: Invitae Variant Classification Sherloc (09022015). Collection method: clinical testing. Allele origin: germline.
Comment: This sequence change falls in intron 4 of the WT1 gene. It does not directly change the encoded amino acid sequence of the WT1 protein. It affects a nucleotide within the consensus splice site. This variant is not present in population databases (gnomAD no frequency). This variant has not been reported in the literature in individuals affected with WT1-related conditions. Variants that disrupt the consensus splice site are a relatively common cause of aberrant splicing (PMID: 17576681, 9536098). Algorithms developed to predict the effect of sequence changes on RNA splicing suggest that this variant may disrupt the consensus splice site. In summary, the available evidence is currently insufficient to determine the role of this variant in disease. Therefore, it has been classified as a Variant of Uncertain Significance.

Literature cited by the submitters: PubMed 17576681 (cited by Labcorp Genetics (formerly Invitae), Labcorp); PubMed 9536098 (cited by Labcorp Genetics (formerly Invitae), Labcorp).

NM_024426.6(WT1):c.965+3A>G

Gene: WT1 (WT1 transcription factor; minus strand). Cytogenetic location: 11p13.
Variant type: single nucleotide variant.
Coding change: c.965+3A>G on transcript NM_024426.6 (MANE Select); 3 bases into the intron after coding-DNA position 965, A replaced by G.
Molecular consequence: intron variant. On other transcripts: non-coding transcript variant (2).
Genome position (GRCh38, 1-based): chr11:32,417,574, T>C on the plus strand (A>G on the coding strand, the complement: WT1 is on the minus strand). VCF-style: chr11-32417574-T-C. GRCh37 (hg19) VCF-style: chr11-32439120-T-C.
Other names: c.950+3A>G (NM_024426.4); c.842+3A>G (NM_001407050.1, NM_001407047.1); c.965+3A>G (NM_001407048.1, NM_001407049.1, NM_000378.6 and 4 more transcripts); c.746+3A>G (NM_001429034.1, NM_001429033.1, NM_001429032.1 and 1 more transcripts); c.203+3A>G (NM_001407051.1); c.314+3A>G (NM_001198552.2, NM_001198551.2).
Identifiers: ClinVar variation 3752091 (VCV003752091.3).